The following is an entry in ClinVar:

NM_205834.4(LSR):c.1099T>G (p.Phe367Val)

Gene: LSR (lipolysis stimulated lipoprotein receptor; plus strand). Cytogenetic location: 19q13.12.
Variant type: single nucleotide variant.
Coding change: c.1099T>G on transcript NM_205834.4 (MANE Select); coding-DNA position 1099, T replaced by G.
Protein change: p.Phe367Val; replaces phenylalanine 367 with valine.
Molecular consequence: missense variant.
Genome position (GRCh38, 1-based): chr19:35,266,922, T>G. VCF-style: chr19-35266922-T-G. GRCh37 (hg19) VCF-style: chr19-35757825-T-G.
Other names: c.1039T>G, p.Phe347Val (NM_001260489.2); c.775T>G, p.Phe259Val (NM_001260490.2); c.892T>G, p.Phe298Val (NM_001385215.1); c.1042T>G, p.Phe348Val (NM_015925.7); c.895T>G, p.Phe299Val (NM_205835.4); short protein forms F299V, F347V, F259V, F298V, F348V, F367V.
Identifiers: ClinVar variation 2801685 (VCV002801685.3), dbSNP rs2513501754, ClinGen allele CA405289117.

ClinVar aggregate classification (germline): Uncertain significance (1 of 4 stars; one submission).

Allele frequency attached by ClinVar (database versions not stated): gnomAD exomes below 0.00001.
gnomAD v4.1: 2 of 1,613,858 alleles (0.00012%); highest among the groups gnomAD compares: Non-Finnish European, 0.00017%; no homozygotes.

Submission:

Labcorp Genetics (formerly Invitae), Labcorp
Classification: Uncertain significance. Last evaluated: 2023-08-04. Review status: criteria provided, single submitter. Criteria: Invitae Variant Classification Sherloc (09022015). Collection method: clinical testing. Allele origin: germline.
Comment: In summary, the available evidence is currently insufficient to determine the role of this variant in disease. Therefore, it has been classified as a Variant of Uncertain Significance. An algorithm developed to predict the effect of missense changes on protein structure and function (PolyPhen-2) suggests that this variant is likely to be disruptive. This variant has not been reported in the literature in individuals affected with LSR-related conditions. This variant is not present in population databases (gnomAD no frequency). This sequence change replaces phenylalanine, which is neutral and non-polar, with valine, which is neutral and non-polar, at codon 415 of the LSR protein (p.Phe415Val).